The following is an entry in ClinVar:

ClinVar aggregate classification (germline): Likely pathogenic (1 of 4 stars; one submission).

Conditions:
Pulmonary fibrosis and/or bone marrow failure, Telomere-related, 3. Also called: PULMONARY FIBROSIS AND/OR BONE MARROW FAILURE SYNDROME, TELOMERE-RELATED, 3. Identifiers: Orphanet 2032, MedGen C4225346, MONDO:0014613, OMIM 616373.
Dyskeratosis congenita, autosomal recessive 5 (DKCB5). Identifiers: MedGen C3554656, MONDO:0014076, OMIM 615190.

Submission:

Labcorp Genetics (formerly Invitae), Labcorp
Classification: Likely pathogenic for Dyskeratosis congenita, autosomal recessive 5; Pulmonary fibrosis and/or bone marrow failure, Telomere-related, 3. Last evaluated: 2021-08-06. Review status: criteria provided, single submitter. Criteria: Invitae Variant Classification Sherloc (09022015). Collection method: clinical testing. Allele origin: germline.
Comment: This sequence change affects a donor splice site in intron 16 of the RTEL1 gene. It is expected to disrupt RNA splicing. Variants that disrupt the donor or acceptor splice site typically lead to a loss of protein function (PMID: 16199547), and loss-of-function variants in RTEL1 are known to be pathogenic (PMID: 23453664, 23959892, 25607374). This variant is not present in population databases (ExAC no frequency). This variant has not been reported in the literature in individuals affected with RTEL1-related conditions. Algorithms developed to predict the effect of sequence changes on RNA splicing suggest that this variant may disrupt the consensus splice site. In summary, the currently available evidence indicates that the variant is pathogenic, but additional data are needed to prove that conclusively. Therefore, this variant has been classified as Likely Pathogenic.

Literature cited by the submitters: PubMed 16199547; PubMed 23453664; PubMed 23959892; PubMed 25607374.

NM_001283009.2(RTEL1):c.1348+1G>T

Genes: RTEL1 (regulator of telomere elongation helicase 1; plus strand), RTEL1-TNFRSF6B (RTEL1-TNFRSF6B readthrough (NMD candidate); plus strand). Cytogenetic location: 20q13.33.
Variant type: single nucleotide variant.
Coding change: c.1348+1G>T on transcript NM_001283009.2 (MANE Select); the canonical splice donor site of the intron after coding-DNA position 1348, G replaced by T.
Molecular consequence: splice donor variant.
Genome position (GRCh38, 1-based): chr20:63,685,873, G>T. VCF-style: chr20-63685873-G-T. GRCh37 (hg19) VCF-style: chr20-62317226-G-T.
Other names: c.679+1G>T (NM_001283010.1); c.1420+1G>T (NM_032957.5); c.1348+1G>T (NM_016434.4).
Identifiers: ClinVar variation 1511146 (VCV001511146.6), dbSNP rs2145412626, ClinGen allele CA409676127.
Genomic context (GRCh38, chr20:63,685,873, plus strand): 5'-GTCACCGGAGGACGGCTCAGCGGTCTGATGCCTGGAGCACCACTGCAGCCAGAAAGCGAG[G>T]TACAGACCTGGGCCCACACGCTCCCCGCCCGCCCGGGTGCAGTGCCCGGCACCACCATGC-3'